The following is an entry in ClinVar:

NM_000405.5(GM2A):c.*1994A>G

Gene: GM2A (ganglioside GM2 activator; plus strand). Cytogenetic location: 5q33.1.
Variant type: single nucleotide variant.
Coding change: c.*1994A>G on transcript NM_000405.5 (MANE Select); 1994 bases downstream of the stop codon, A replaced by G.
Molecular consequence: 3 prime UTR variant.
Genome position (GRCh38, 1-based): chr5:151,269,445, A>G. VCF-style: chr5-151269445-A-G. GRCh37 (hg19) VCF-style: chr5-150649006-A-G.
Other names: c.*1805A>G (NM_001167607.3).
Identifiers: ClinVar variation 352289 (VCV000352289.5), dbSNP rs12516391, ClinGen allele CA10623823.

ClinVar aggregate classification (germline): Benign (1 of 4 stars; one submission).

Conditions:
Tay-Sachs disease, variant AB. Also called: GM2 Activator Deficiency; Gm2-gangliosidosis, ab variant. Identifiers: Orphanet 309246, MedGen C0268275, MONDO:0010099, OMIM 272750.

Allele frequency attached by ClinVar (database versions not stated): gnomAD 0.21184 and 0.21867; TOPMed 0.22438; 1000 Genomes Project 30x 0.22502; 1000 Genomes Project 0.22863; gnomAD exomes 0.25636.
gnomAD v4.1: 246,816 of 984,716 alleles (25%); highest among the groups gnomAD compares: Admixed American, 38%; 32,517 homozygotes.

Submission:

Illumina Laboratory Services, Illumina
Classification: Benign for Tay-Sachs disease, variant AB. Last evaluated: 2018-01-13. Review status: criteria provided, single submitter. Criteria: ICSL Variant Classification Criteria 13 December 2019. Collection method: clinical testing. Allele origin: germline.
Comment: This variant was observed in the ICSL laboratory as part of a predisposition screen in an ostensibly healthy population. It had not been previously curated by ICSL or reported in the Human Gene Mutation Database (HGMD: prior to June 1st, 2018), and was therefore a candidate for classification through an automated scoring system. Utilizing variant allele frequency, disease prevalence and penetrance estimates, and inheritance mode, an automated score was calculated to assess if this variant is too frequent to cause the disease. Based on the score and internal cut-off values, a variant classified as benign is not then subjected to further curation. The score for this variant resulted in a classification of benign for this disease.